The following is an entry in ClinVar:

ClinVar aggregate classification (germline): Uncertain significance (1 of 4 stars; one submission).

gnomAD v4.1: 3 of 1,613,870 alleles (0.00019%); highest among the groups gnomAD compares: Non-Finnish European, 0.00025%; no homozygotes.

Submission:

Women's Health and Genetics/Laboratory Corporation of America, LabCorp
Classification: Uncertain significance. Last evaluated: 2024-09-26. Review status: criteria provided, single submitter. Criteria: LabCorp Variant Classification Summary - May 2015. Collection method: clinical testing. Allele origin: germline.
Comment: Variant summary: GCDH c.403A>G (p.Ser135Gly) results in a non-conservative amino acid change located in the Acyl-CoA dehydrogenase/oxidase, N-terminal of the encoded protein sequence. Five of five in-silico tools predict a damaging effect of the variant on protein function. The variant was absent in 251436 control chromosomes. The available data on variant occurrences in the general population are insufficient to allow any conclusion about variant significance. c.403A>G has been reported in the literature in at least one individual affected with Glutaric Acidemia Type 1, however further genotype and clinical details were not provided (eg. Schuurmans_2023). This report does not provide unequivocal conclusions about association of the variant with Glutaric Acidemia Type 1. To our knowledge, no experimental evidence demonstrating an impact on protein function has been reported. The following publication has been ascertained in the context of this evaluation (PMID: 37020324). No submitters have cited clinical-significance assessments for this variant to ClinVar. Based on the evidence outlined above, the variant was classified as uncertain significance.

Literature cited by the submitters: PubMed 37020324.

NM_000159.4(GCDH):c.403A>G (p.Ser135Gly)

Gene: GCDH (glutaryl-CoA dehydrogenase; plus strand). Cytogenetic location: 19p13.13.
Variant type: single nucleotide variant.
Coding change: c.403A>G on transcript NM_000159.4 (MANE Select); coding-DNA position 403, A replaced by G.
Protein change: p.Ser135Gly; replaces serine 135 with glycine.
Molecular consequence: missense variant. On other transcripts: non-coding transcript variant (2).
Genome position (GRCh38, 1-based): chr19:12,893,551, A>G. VCF-style: chr19-12893551-A-G. GRCh37 (hg19) VCF-style: chr19-13004365-A-G.
Other names: c.403A>G, p.Ser135Gly (NM_013976.5); short protein forms S135G.
Identifiers: ClinVar variation 3375185 (VCV003375185.1).